The following is an entry in ClinVar:

ClinVar aggregate classification (germline): Benign. Review status: criteria provided, multiple submitters, no conflicts (2 of 4 stars). 2 submissions from 2 submitters: Benign (2). Last evaluated 2018-06-16.

Allele frequency attached by ClinVar (database versions not stated): gnomAD exomes 0.01066; gnomAD 0.04679 and 0.05021; 1000 Genomes Project 0.04972; 1000 Genomes Project 30x 0.05278; TOPMed 0.05364.
gnomAD v4.1: 10,802 of 472,408 alleles (2.3%); highest among the groups gnomAD compares: African/African-American, 14%; 544 homozygotes.

Submissions (2):

GeneDx
Classification: Benign. Last evaluated: 2018-06-16. Review status: criteria provided, single submitter. Criteria: GeneDx Variant Classification (06012015). Collection method: clinical testing. Allele origin: germline. Affected: yes.
Comment: This variant is considered likely benign or benign based on one or more of the following criteria: it is a conservative change, it occurs at a poorly conserved position in the protein, it is predicted to be benign by multiple in silico algorithms, and/or has population frequency not consistent with disease.

Breakthrough Genomics
Classification: Benign. Review status: criteria provided, single submitter. Criteria: ACMG Guidelines, 2015. Collection method: not provided. Allele origin: germline. Inheritance: Autosomal dominant inheritance. Affected: yes.

NM_001136472.2(LITAF):c.377+1660G>A

Gene: LITAF (lipopolysaccharide induced TNF factor; minus strand). Cytogenetic location: 16p13.13.
Variant type: single nucleotide variant.
Coding change: c.377+1660G>A on transcript NM_001136472.2 (MANE Select); 1660 bases into the intron after coding-DNA position 377, G replaced by A.
Molecular consequence: intron variant.
Genome position (GRCh38, 1-based): chr16:11,551,873, C>T on the plus strand (G>A on the coding strand, the complement: LITAF is on the minus strand). VCF-style: chr16-11551873-C-T. GRCh37 (hg19) VCF-style: chr16-11645729-C-T.
Other names: c.378-69G>A (NM_001136473.1); c.377+1660G>A (NM_004862.4).
Identifiers: ClinVar variation 677270 (VCV000677270.2), dbSNP rs11859393, ClinGen allele CA278303922.